The following is an entry in ClinVar:

NM_004836.7(EIF2AK3):c.113C>G (p.Ala38Gly)

Gene: EIF2AK3 (eukaryotic translation initiation factor 2 alpha kinase 3; minus strand). Cytogenetic location: 2p11.2.
Variant type: single nucleotide variant.
Coding change: c.113C>G on transcript NM_004836.7 (MANE Select); coding-DNA position 113, C replaced by G.
Protein change: p.Ala38Gly; replaces alanine 38 with glycine.
Molecular consequence: missense variant.
Genome position (GRCh38, 1-based): chr2:88,627,162, G>C on the plus strand (C>G on the coding strand, the complement: EIF2AK3 is on the minus strand). VCF-style: chr2-88627162-G-C. GRCh37 (hg19) VCF-style: chr2-88926680-G-C.
Other names: short protein forms A38G.
Identifiers: ClinVar variation 3724454 (VCV003724454.2).
Genomic context (GRCh38, chr2:88,627,162, plus strand): 5'-CGCGTCGCTGAGGTGGGAGCAGCGGCCGCCCCGAGGCCGAACGCCGCCTCCGCCGTCGGC[G>C]CTGGGAGGCCACGGGCGCGCCCCGCGGCCACCGTCCTTGCCGCGAGCCCCAGCAGCAGCA-3'
Protein context (NP_004827.4, residues 28-48): VAAGRARGLP[Ala38Gly]PTAEAAFGLG

ClinVar aggregate classification (germline): Uncertain significance (1 of 4 stars; one submission).

gnomAD v4.1: 1 of 1,441,382 alleles (0.000069%); highest among the groups gnomAD compares: Non-Finnish European, 0.000091%; no homozygotes.

Submission:

Labcorp Genetics (formerly Invitae), Labcorp
Classification: Uncertain significance. Last evaluated: 2024-11-10. Review status: criteria provided, single submitter. Criteria: Invitae Variant Classification Sherloc (09022015). Collection method: clinical testing. Allele origin: germline.
Comment: This sequence change replaces alanine, which is neutral and non-polar, with glycine, which is neutral and non-polar, at codon 38 of the EIF2AK3 protein (p.Ala38Gly). This variant is not present in population databases (gnomAD no frequency). This variant has not been reported in the literature in individuals affected with EIF2AK3-related conditions. Experimental studies and prediction algorithms are not available or were not evaluated, and the functional significance of this variant is currently unknown. In summary, the available evidence is currently insufficient to determine the role of this variant in disease. Therefore, it has been classified as a Variant of Uncertain Significance.